The following is an entry in ClinVar:

NM_004408.4(DNM1):c.2138C>T (p.Thr713Met)

Gene: DNM1 (dynamin 1; plus strand). Cytogenetic location: 9q34.11.
Variant type: single nucleotide variant.
Coding change: c.2138C>T on transcript NM_004408.4 (MANE Select); coding-DNA position 2138, C replaced by T.
Protein change: p.Thr713Met; replaces threonine 713 with methionine.
Molecular consequence: missense variant.
Genome position (GRCh38, 1-based): chr9:128,250,176, C>T. VCF-style: chr9-128250176-C-T. GRCh37 (hg19) VCF-style: chr9-131012455-C-T.
Other names: c.2138C>T, p.Thr713Met (NM_001005336.3, NM_001288737.2, NM_001288738.2 and 2 more transcripts); short protein forms T713M.
Identifiers: ClinVar variation 4749338 (VCV004749338.1).

ClinVar aggregate classification (germline): Uncertain significance (1 of 4 stars; one submission).

Conditions:
Developmental and epileptic encephalopathy, 31A. Also called: Epileptic encephalopathy, early infantile, 31; Developmental and epileptic encephalopathy, 31. Identifiers: Orphanet 2382, MedGen C4225357, MONDO:0014598, OMIM 616346.

gnomAD v4.1: 7 of 1,614,086 alleles (0.00043%); highest among the groups gnomAD compares: African/African-American, 0.0013%; no homozygotes.

Submission:

Labcorp Genetics (formerly Invitae), Labcorp
Classification: Uncertain significance for Developmental and epileptic encephalopathy, 31A. Last evaluated: 2025-04-14. Review status: criteria provided, single submitter. Criteria: Invitae Variant Classification Sherloc (09022015). Collection method: clinical testing. Allele origin: germline.
Comment: This sequence change replaces threonine, which is neutral and polar, with methionine, which is neutral and non-polar, at codon 713 of the DNM1 protein (p.Thr713Met). This variant is present in population databases (no rsID available, gnomAD 0.004%). This variant has not been reported in the literature in individuals affected with DNM1-related conditions. Invitae Evidence Modeling of protein sequence and biophysical properties (such as structural, functional, and spatial information, amino acid conservation, physicochemical variation, residue mobility, and thermodynamic stability) indicates that this missense variant is not expected to disrupt DNM1 protein function with a negative predictive value of 80%. In summary, the available evidence is currently insufficient to determine the role of this variant in disease. Therefore, it has been classified as a Variant of Uncertain Significance.